The following is an entry in ClinVar:

NM_000124.4(ERCC6):c.2583_2584del (p.Gln863fs)

Gene: ERCC6 (ERCC excision repair 6, chromatin remodeling factor; minus strand). Cytogenetic location: 10q11.23.
Variant type: Deletion.
Coding change: c.2583_2584del on transcript NM_000124.4 (MANE Select); coding-DNA positions 2583 to 2584, 2 bases deleted (TT; older notation c.2583_2584delTT).
Protein change: p.Gln863fs; shifts the reading frame from glutamine 863.
Molecular consequence: frameshift variant.
Genome position (GRCh38, 1-based): chr10:49,474,041-49,474,042, AA deleted on the plus strand (TT on the coding strand, the reverse complement: ERCC6 is on the minus strand); deleting any 2 consecutive bases within chr10:49,474,041-49,474,044 gives the same sequence; the c. name uses the placement nearest the transcript's 3' end. VCF-style (leftmost placement, unchanged base first): chr10-49474040-GAA-G. GRCh37 (hg19) VCF-style: chr10-50682086-GAA-G.
Other names: c.2583_2584del, p.Gln863fs (NM_001346440.2); short protein forms Q863fs.
Identifiers: ClinVar variation 2835928 (VCV002835928.3), dbSNP rs2495984482, ClinGen allele CA2739265367.

ClinVar aggregate classification (germline): Pathogenic (1 of 4 stars; one submission).

Submission:

Labcorp Genetics (formerly Invitae), Labcorp
Classification: Pathogenic. Last evaluated: 2023-02-09. Review status: criteria provided, single submitter. Criteria: Invitae Variant Classification Sherloc (09022015). Collection method: clinical testing. Allele origin: germline.
Comment: This variant has not been reported in the literature in individuals affected with ERCC6-related conditions. This variant is not present in population databases (gnomAD no frequency). This sequence change creates a premature translational stop signal (p.Gln863Valfs*9) in the ERCC6 gene. It is expected to result in an absent or disrupted protein product. Loss-of-function variants in ERCC6 are known to be pathogenic (PMID: 18628313, 29572252). For these reasons, this variant has been classified as Pathogenic.

Literature cited by the submitters: PubMed 18628313; PubMed 29572252.